The following is an entry in ClinVar:

NM_000891.3(KCNJ2):c.340G>A (p.Asp114Asn)

Gene: KCNJ2 (potassium inwardly rectifying channel subfamily J member 2; plus strand). Cytogenetic location: 17q24.3.
Variant type: single nucleotide variant.
Coding change: c.340G>A on transcript NM_000891.3 (MANE Select); coding-DNA position 340, G replaced by A.
Protein change: p.Asp114Asn; replaces aspartic acid 114 with asparagine.
Molecular consequence: missense variant.
Genome position (GRCh38, 1-based): chr17:70,175,379, G>A. VCF-style: chr17-70175379-G-A. GRCh37 (hg19) VCF-style: chr17-68171520-G-A.
Other names: short protein forms D114N.
Identifiers: ClinVar variation 4783741 (VCV004783741.1).

ClinVar aggregate classification (germline): Uncertain significance (1 of 4 stars; one submission).

Conditions:
Short QT syndrome type 3. Identifiers: Orphanet 51083, MedGen C1865018, MONDO:0012314, OMIM 609622.
Andersen Tawil syndrome (LQT7). Also called: Potassium-sensitive periodic paralysis, ventricular ectopy, and dysmorphic features; ANDERSEN CARDIODYSRHYTHMIC PERIODIC PARALYSIS; LONG QT SYNDROME 7; PERIODIC PARALYSIS, POTASSIUM-SENSITIVE CARDIODYSRHYTHMIC TYPE; Andersen Syndrome. Identifiers: Orphanet 37553, MedGen C1563715, MONDO:0008222, OMIM 170390.

Submission:

Labcorp Genetics (formerly Invitae), Labcorp
Classification: Uncertain significance for Short QT syndrome type 3; Andersen Tawil syndrome. Last evaluated: 2025-11-05. Review status: criteria provided, single submitter. Criteria: Invitae Variant Classification Sherloc (09022015). Collection method: clinical testing. Allele origin: germline.
Comment: This sequence change replaces aspartic acid, which is acidic and polar, with asparagine, which is neutral and polar, at codon 114 of the KCNJ2 protein (p.Asp114Asn). This variant is not present in population databases (gnomAD no frequency). This variant has not been reported in the literature in individuals affected with KCNJ2-related conditions. Invitae Evidence Modeling of protein sequence and biophysical properties (such as structural, functional, and spatial information, amino acid conservation, physicochemical variation, residue mobility, and thermodynamic stability) indicates that this missense variant is not expected to disrupt KCNJ2 protein function with a negative predictive value of 95%. Experimental studies have shown that this missense change does not substantially affect KCNJ2 function (PMID: 17619200). In summary, the available evidence is currently insufficient to determine the role of this variant in disease. Therefore, it has been classified as a Variant of Uncertain Significance.

Literature cited by the submitters: PubMed 17619200.